The following is an entry in ClinVar:

NM_000885.6(ITGA4):c.1900T>A (p.Ser634Thr)

Gene: ITGA4 (integrin subunit alpha 4; plus strand). Cytogenetic location: 2q31.3.
Variant type: single nucleotide variant.
Coding change: c.1900T>A on transcript NM_000885.6 (MANE Select); coding-DNA position 1900, T replaced by A.
Protein change: p.Ser634Thr; replaces serine 634 with threonine.
Molecular consequence: missense variant.
Genome position (GRCh38, 1-based): chr2:181,511,753, T>A. VCF-style: chr2-181511753-T-A. GRCh37 (hg19) VCF-style: chr2-182376480-T-A.
Other names: NC_000002.11:g.182376480T>A; short protein forms S634T.
Identifiers: ClinVar variation 709073 (VCV000709073.7), dbSNP rs35322532, ClinGen allele CA2009785.

ClinVar aggregate classification (germline): Benign. Review status: criteria provided, multiple submitters, no conflicts (2 of 4 stars). 3 submissions from 3 submitters: Benign (2). 1 of the submissions does not count toward it. Last evaluated 2018-08-20.

Conditions:
ITGA4-related disorder. Also called: ITGA4-related condition.

Allele frequency attached by ClinVar (database versions not stated): gnomAD exomes 0.00225 and 0.00504; ExAC 0.00592; 1000 Genomes Project 0.01717; ESP Exome Variant Server 0.01822; gnomAD 0.01854 and 0.02008; 1000 Genomes Project 30x 0.01858; TOPMed 0.02167.
gnomAD v4.1: 6,190 of 1,587,650 alleles (0.39%); highest among the groups gnomAD compares: African/African-American, 6.4%; 167 homozygotes.

Submissions (14):

Labcorp Genetics (formerly Invitae), Labcorp
Classification: Benign. Last evaluated: 2018-08-20. Review status: criteria provided, single submitter. Criteria: Invitae Variant Classification Sherloc (09022015). Collection method: clinical testing. Allele origin: germline.

Breakthrough Genomics
Classification: Benign. Review status: criteria provided, single submitter. Criteria: ACMG Guidelines, 2015. Collection method: not provided. Allele origin: germline. Inheritance: Unknown mechanism. Affected: yes.

PreventionGenetics, part of Exact Sciences
Classification: Benign for ITGA4-related condition. Last evaluated: 2019-06-06. Review status: no assertion criteria provided. Collection method: clinical testing. Allele origin: germline. Not counted in ClinVar's aggregate classification.
Comment: This variant is classified as benign based on ACMG/AMP sequence variant interpretation guidelines (Richards et al. 2015 PMID: 25741868, with internal and published modifications).

Dr. Peter K. Rogan Lab, Western University
No classification provided (evidence only). Condition: Clear cell carcinoma of kidney. Review status: no classification provided. Collection method: in vitro. Allele origin: not applicable. Functional consequence: retained intron. Not counted in ClinVar's aggregate classification.

Dr. Peter K. Rogan Lab, Western University
No classification provided (evidence only). Condition: Lung cancer. Review status: no classification provided. Collection method: in vitro. Allele origin: not applicable. Functional consequence: retained intron. Not counted in ClinVar's aggregate classification.

Dr. Peter K. Rogan Lab, Western University
No classification provided (evidence only). Condition: Lung cancer. Review status: no classification provided. Collection method: in vitro. Allele origin: not applicable. Functional consequence: retained intron. Not counted in ClinVar's aggregate classification.

Dr. Peter K. Rogan Lab, Western University
No classification provided (evidence only). Condition: Lung cancer. Review status: no classification provided. Collection method: in vitro. Allele origin: not applicable. Functional consequence: retained intron. Not counted in ClinVar's aggregate classification.

Dr. Peter K. Rogan Lab, Western University
No classification provided (evidence only). Condition: Acute myeloid leukemia. Review status: no classification provided. Collection method: in vitro. Allele origin: not applicable. Functional consequence: retained intron. Not counted in ClinVar's aggregate classification.

Dr. Peter K. Rogan Lab, Western University
No classification provided (evidence only). Condition: Uterine corpus endometrial carcinoma. Review status: no classification provided. Collection method: in vitro. Allele origin: not applicable. Functional consequence: retained intron. Not counted in ClinVar's aggregate classification.

Dr. Peter K. Rogan Lab, Western University
No classification provided (evidence only). Condition: Sarcoma. Review status: no classification provided. Collection method: in vitro. Allele origin: not applicable. Functional consequence: retained intron. Not counted in ClinVar's aggregate classification.

Dr. Peter K. Rogan Lab, Western University
No classification provided (evidence only). Condition: Hepatocellular carcinoma. Review status: no classification provided. Collection method: in vitro. Allele origin: not applicable. Functional consequence: retained intron. Not counted in ClinVar's aggregate classification.

Dr. Peter K. Rogan Lab, Western University
No classification provided (evidence only). Condition: Gastric cancer. Review status: no classification provided. Collection method: in vitro. Allele origin: not applicable. Functional consequence: retained intron. Not counted in ClinVar's aggregate classification.

Dr. Peter K. Rogan Lab, Western University
No classification provided (evidence only). Condition: Gastric cancer. Review status: no classification provided. Collection method: in vitro. Allele origin: not applicable. Functional consequence: retained intron. Not counted in ClinVar's aggregate classification.

Dr. Peter K. Rogan Lab, Western University
No classification provided (evidence only). Condition: Malignant tumor of esophagus. Review status: no classification provided. Collection method: in vitro. Allele origin: not applicable. Functional consequence: retained intron. Not counted in ClinVar's aggregate classification.